The following is an entry in ClinVar:

NM_004260.4(RECQL4):c.2464-1G>C

Gene: RECQL4 (RecQ like helicase 4; minus strand). Cytogenetic location: 8q24.3.
Variant type: single nucleotide variant.
Coding change: c.2464-1G>C on transcript NM_004260.4 (MANE Select); the canonical splice acceptor site of the intron before coding-DNA position 2464, G replaced by C.
Molecular consequence: splice acceptor variant.
Genome position (GRCh38, 1-based): chr8:144,513,139, C>G on the plus strand (G>C on the coding strand, the complement: RECQL4 is on the minus strand). VCF-style: chr8-144513139-C-G. GRCh37 (hg19) VCF-style: chr8-145738522-C-G.
Other names: c.2335-1G>C (NM_001413025.1); c.2113-1G>C (NM_001413029.1); c.1327-1G>C (NM_001413032.1, NM_001413027.1, NM_001413030.1 and 1 more transcripts); c.1393-1G>C (NM_001413035.1, NM_001413040.1, NM_001413021.1 and 5 more transcripts); c.2170-1G>C (NM_001413017.1); c.2368-1G>C (NM_001413020.1); c.2434-1G>C (NM_001413039.1); c.2332-1G>C (NM_001413033.1); and 6 more.
Identifiers: ClinVar variation 94889 (VCV000094889.46), dbSNP rs398124117, ClinGen allele CA222578.

ClinVar aggregate classification (germline): Pathogenic/Likely pathogenic. Review status: criteria provided, multiple submitters, no conflicts (2 of 4 stars). 10 submissions from 10 submitters: Pathogenic (8); Likely pathogenic (2). Last evaluated 2026-08-19.

Conditions:
Rothmund-Thomson syndrome type 2 (RTS2). Identifiers: Orphanet 221016, MedGen C5203410, MONDO:0016369, OMIM 268400.
RECQL4-related disorder. Also called: RECQL4-related disorders; RECQL4-related condition.
Rapadilino syndrome. Identifiers: Orphanet 3021, MedGen C1849453, MONDO:0009955, OMIM 266280.
Baller-Gerold syndrome (BGS). Also called: CRANIOSYNOSTOSIS WITH RADIAL DEFECTS. Identifiers: Orphanet 1225, MedGen C0265308, MONDO:0009039, OMIM 218600.

Allele frequency attached by ClinVar (database versions not stated): gnomAD 0.00011 and 0.00012; TOPMed 0.00011.
gnomAD v4.1: 124 of 1,558,806 alleles (0.008%); highest among the groups gnomAD compares: Non-Finnish European, 0.0024%; no homozygotes.

Submissions (12):

PreventionGenetics, part of Exact Sciences
Classification: Pathogenic for RECQL4-related condition. Last evaluated: 2026-08-19. Review status: criteria provided, single submitter. Criteria: ACMG Guidelines, 2015. Collection method: clinical testing. Allele origin: germline.
Comment: The RECQL4 c.2464-1G>C variant is predicted to disrupt the AG splice acceptor site and interfere with normal splicing. This variant has been reported in the homozygous or compound heterozygous states in individuals with Rothmund-Thomson syndrome (Reported as g.4615G>C, Wang et al. 2003. PubMed ID: 12734318; Siitonen et al. 2008. PubMed ID: 18716613). This variant has also been reported as heterozygous in individuals with other malignancies (Table S2A, Huang et al. 2018. PubMed ID: 29625052; Guo et al. 2019. PubMed ID: 31887429; Aoude et al. 2020. PubMed ID: 33077847). This variant is reported in 0.31% of alleles in individuals of Ashkenazi Jewish descent in gnomAD and is classified as pathogenic/likely pathogenic in ClinVar (ClinVar ID: 94889). Variants that disrupt the consensus splice acceptor site in RECQL4 are expected to be pathogenic. This variant is interpreted as pathogenic.

Dasa
Classification: Pathogenic. Last evaluated: 2026-03-16. Review status: criteria provided, single submitter. Criteria: DASA Assertion Criteria. Collection method: clinical testing. Allele origin: germline.
Comment: NM_004260.4(RECQL4):c.2464-1G>C introduces a premature termination codon predicted to result in loss of normal protein function. Loss-of-function is an established mechanism of disease for this gene. This variant results in the same amino acid change as a previously established pathogenic variant. This variant has been observed in affected individuals with related phenotype in a genotype context consistent with recessive disease (PMID: 18716613). This variant has been reported in individuals with related phenotype (PMID: 18716613). The variant is present at low frequency in population datasets. Based on the available data, this variant is classified as pathogenic.

Labcorp Genetics (formerly Invitae), Labcorp
Classification: Pathogenic for Baller-Gerold syndrome. Last evaluated: 2026-01-21. Review status: criteria provided, single submitter. Criteria: Invitae Variant Classification Sherloc (09022015). Collection method: clinical testing. Allele origin: germline.
Comment: This sequence change affects an acceptor splice site in intron 14 of the RECQL4 gene. It is expected to disrupt RNA splicing. Variants that disrupt the donor or acceptor splice site typically lead to a loss of protein function (PMID: 16199547), and loss-of-function variants in RECQL4 are known to be pathogenic (PMID: 12734318, 12952869). This variant is present in population databases (rs398124117, gnomAD 0.3%). Disruption of this splice site has been observed in individual(s) with clinical features of Rothmund-Thomson syndrome (PMID: 12734318, 18716613, 29625052). It has also been observed to segregate with disease in related individuals. This variant is also known as g.4615G>C. ClinVar contains an entry for this variant (Variation ID: 94889). Algorithms developed to predict the effect of sequence changes on RNA splicing suggest that this variant may disrupt the consensus splice site. For these reasons, this variant has been classified as Pathogenic.

GeneDx
Classification: Likely pathogenic. Last evaluated: 2025-10-16. Review status: criteria provided, single submitter. Criteria: GeneDx Variant Classification Process June 2021. Collection method: clinical testing. Allele origin: germline. Affected: yes.
Comment: Canonical splice site variant predicted to result in a null allele in a gene for which loss of function is a known mechanism of disease; This variant is associated with the following publications: (PMID: 31589614, 32775946, 18716613, 30687805, 34869606, 35833951, 31794323, 38413718, 12734318, 31887429, 36451132, 33077847, 37331604, 29625052, 36744932, 39194688, 34718612)

Blueprint Genetics
Classification: Pathogenic for RECQL4-related disorders. Last evaluated: 2024-09-24. Review status: criteria provided, single submitter. Criteria: ACMG Guidelines, 2015. Collection method: clinical testing. Allele origin: germline. Affected: yes. Observed: 5 variant alleles.

CeGaT Center for Human Genetics Tuebingen
Classification: Likely pathogenic. Last evaluated: 2023-09-01. Review status: criteria provided, single submitter. Criteria: CeGaT Center For Human Genetics Tuebingen Variant Classification Criteria Version 2. Collection method: clinical testing. Allele origin: germline. Affected: yes. Observed: 1 variant allele.
Comment: RECQL4: PVS1

St. Jude Molecular Pathology, St. Jude Children's Research Hospital
Classification: Pathogenic for Rothmund-Thomson syndrome type 2. Last evaluated: 2023-08-01. Review status: criteria provided, single submitter. Criteria: St. Jude Assertion Criteria 2020. Collection method: clinical testing. Allele origin: germline.
Comment: The RECQL4 c.2464-1G>C intronic change results in a G to C substitution at the -1 position of intron 14 of the RECQL4 gene and is predicted to disrupt the acceptor splice site. This variant has been identified in the homozygous state in siblings with clinical features of Rothmund-Thomson syndrome (PMID: 12734318), and in the compound heterozygous state in an unrelated individual with clinical features of Rothmund-Thomson syndrome (PMID: 18716613). It has also been identified as heterozygous in at least one individual with leiomyosarcoma (PMID: 29625052). This variant has a maximum founder subpopulation frequency of 0.31% and a maximum non-founder subpopulation frequency of 0.0011% in gnomAD v2.1.1. In summary, this variant meets criteria to be classified as pathogenic.

New York Genome Center
Classification: Pathogenic for Rothmund-Thomson syndrome type 2. Last evaluated: 2023-02-09. Review status: criteria provided, single submitter. Criteria: NYGC Assertion Criteria 2020. Collection method: clinical testing. Allele origin: inherited. Affected: yes. Observed: 1 homozygote. Study: PrenatalSEQ.
Comment: The homozygous c.2464-1G>C variant identified in the RECQL4 gene is a canonical splice variant within intron 14/20, and is predicted to lead to aberrant splicing by in silico algorithm SpliceAI (delta score: 0.98 for an acceptor loss -1bp). This variant is found with low frequency in population databases (gnomADv2.1.1, gnomADv3.2.1, BRAVO-TOPMed, All of Us) with highest allele frequency in BRAVO-TOPMed (29 heterozygotes, 0 homozygotes, allele frequency: 1.10e-4), suggesting it is not a common benign variant in the populations represented in those databases. The c.2464-1G>C variant in RECQL4 is reported in ClinVar as Pathogenic (VarID:94889; 2 stars, 3 submissions, no conflicts), and has been previously reported in homozygous state in two siblings with a clinical diagnosis of Rothmund-Thomson syndrome [PMID:12734318] and in compound heterozygosity with a different canonical splice variant in an unrelated patient with a clinical diagnosis of Rothmund-Thomson syndrome [PMID:18716613]. Given its expected deleterious nature, low frequency in population databases, and presence in several affected individuals in the literature in both homozygous state and in compound heterozygosity, the homozygous c.2464-1G>C variant identified in the RECQL4 gene is reported as Pathogenic.

Fulgent Genetics
Classification: Pathogenic for Baller-Gerold syndrome; Rapadilino syndrome; Rothmund-Thomson syndrome type 2. Last evaluated: 2021-10-15. Review status: criteria provided, single submitter. Criteria: ACMG Guidelines, 2015. Collection method: clinical testing. Allele origin: unknown.

Eurofins Ntd Llc (ga)
Classification: Pathogenic. Last evaluated: 2013-03-04. Review status: criteria provided, single submitter. Criteria: EGL Classification Definitions. Collection method: clinical testing. Allele origin: germline. Observed: 1 variant allele, 1 heterozygote.

Dr. Peter K. Rogan Lab, Western University
No classification provided (evidence only). Condition: Sarcoma. Review status: no classification provided. Collection method: in vitro. Allele origin: not applicable. Functional consequence: retained intron. Not counted in ClinVar's aggregate classification.

Dr. Peter K. Rogan Lab, Western University
No classification provided (evidence only). Condition: Sarcoma. Review status: no classification provided. Collection method: in vitro. Allele origin: not applicable. Functional consequence: retained intron. Not counted in ClinVar's aggregate classification.

Literature cited by the submitters: PubMed 18716613 (cited by 3 submitters); PubMed 16199547 (cited by Labcorp Genetics (formerly Invitae), Labcorp); PubMed 12734318 (cited by Labcorp Genetics (formerly Invitae), Labcorp and New York Genome Center); PubMed 12952869 (cited by Labcorp Genetics (formerly Invitae), Labcorp); PubMed 29625052 (cited by Labcorp Genetics (formerly Invitae), Labcorp).